The following is an entry in ClinVar:

NM_004311.4(ARL3):c.66_68del (p.Leu23del)

Gene: ARL3 (ARF like GTPase 3; minus strand). Cytogenetic location: 10q24.32.
Variant type: Deletion.
Coding change: c.66_68del on transcript NM_004311.4 (MANE Select); coding-DNA positions 66 to 68, 3 bases deleted (CCT; older notation c.66_68delCCT).
Protein change: p.Leu23del; deletes leucine 23.
Molecular consequence: inframe deletion.
Genome position (GRCh38, 1-based): chr10:102,705,425-102,705,427, AGG deleted on the plus strand (CCT on the coding strand, the reverse complement: ARL3 is on the minus strand); deleting any 3 consecutive bases within chr10:102,705,425-102,705,429 gives the same sequence; the c. name uses the placement nearest the transcript's 3' end. VCF-style (leftmost placement, unchanged base first): chr10-102705424-CAGG-C. GRCh37 (hg19) VCF-style: chr10-104465181-CAGG-C.
Other names: short protein forms L23del.
Identifiers: ClinVar variation 967698 (VCV000967698.9), dbSNP rs2064304247, ClinGen allele CA1139661674.
Genomic context (GRCh38, chr10:102,705,424, plus strand): 5'-GCTGATGTCTTCAGATGCAAGCTGCTTCAGAAGAGTGGTCTTGCCAGCATTATCCAAGCC[CAGG>C]AGAAGTATTCTCACCTCCTGGTCTGGTGCACTTTTCAACTTGCGCAAAATTGAGAGCAAG-3'

ClinVar aggregate classification (germline): Uncertain significance (1 of 4 stars; one submission).

Submission:

Labcorp Genetics (formerly Invitae), Labcorp
Classification: Uncertain significance. Last evaluated: 2025-10-27. Review status: criteria provided, single submitter. Criteria: Invitae Variant Classification Sherloc (09022015). Collection method: clinical testing. Allele origin: germline.
Comment: This variant, c.66_68del, results in the deletion of 1 amino acid(s) of the ARL3 protein (p.Leu23del), but otherwise preserves the integrity of the reading frame. This variant is not present in population databases (gnomAD no frequency). This variant has not been reported in the literature in individuals affected with ARL3-related conditions. ClinVar contains an entry for this variant (Variation ID: 967698). Experimental studies and prediction algorithms are not available or were not evaluated, and the functional significance of this variant is currently unknown. In summary, the available evidence is currently insufficient to determine the role of this variant in disease. Therefore, it has been classified as a Variant of Uncertain Significance.